The following is an entry in ClinVar:

NM_000062.3(SERPING1):c.203C>T (p.Thr68Ile)

Gene: SERPING1 (serpin family G member 1; plus strand). Cytogenetic location: 11q12.1.
Variant type: single nucleotide variant.
Coding change: c.203C>T on transcript NM_000062.3 (MANE Select); coding-DNA position 203, C replaced by T.
Protein change: p.Thr68Ile; replaces threonine 68 with isoleucine.
Molecular consequence: missense variant.
Genome position (GRCh38, 1-based): chr11:57,600,030, C>T. VCF-style: chr11-57600030-C-T. GRCh37 (hg19) VCF-style: chr11-57367503-C-T.
Other names: c.203C>T, p.Thr68Ile (NM_001032295.2); short protein forms T68I.
Identifiers: ClinVar variation 4709831 (VCV004709831.1).

ClinVar aggregate classification (germline): Pathogenic (1 of 4 stars; one submission).

Submission:

Labcorp Genetics (formerly Invitae), Labcorp
Classification: Pathogenic. Last evaluated: 2025-03-20. Review status: criteria provided, single submitter. Criteria: Invitae Variant Classification Sherloc (09022015). Collection method: clinical testing. Allele origin: germline.
Comment: This sequence change replaces threonine, which is neutral and polar, with isoleucine, which is neutral and non-polar, at codon 68 of the SERPING1 protein (p.Thr68Ile). This variant is not present in population databases (gnomAD no frequency). This missense change has been observed in individual(s) with hereditary angioedema (PMID: 26895475). It has also been observed to segregate with disease in related individuals. This variant is also known as p.Thr46Ile. Invitae Evidence Modeling of protein sequence and biophysical properties (such as structural, functional, and spatial information, amino acid conservation, physicochemical variation, residue mobility, and thermodynamic stability) indicates that this missense variant is not expected to disrupt SERPING1 protein function with a negative predictive value of 80%. Experimental studies have shown that this missense change affects SERPING1 function (PMID: 26895475). For these reasons, this variant has been classified as Pathogenic.

Literature cited by the submitters: PubMed 26895475.